The following is an entry in ClinVar:

NM_001256627.2(BRSK2):c.2119_2124dup (p.Gly708_Pro709insAlaGly)

Gene: BRSK2 (BR serine/threonine kinase 2; plus strand). Cytogenetic location: 11p15.5.
Variant type: Duplication.
Coding change: c.2119_2124dup on transcript NM_001256627.2 (MANE Select); coding-DNA positions 2119 to 2124, 6 bases duplicated (GCTGGC; older notation c.2119_2124dupGCTGGC).
Protein change: p.Gly708_Pro709insAlaGly.
Molecular consequence: inframe insertion. On other transcripts: intron variant (3).
Genome position (GRCh38, 1-based): chr11:1,460,631-1,460,636, GCTGGC duplicated; duplicating any 6 consecutive bases within chr11:1,460,630-1,460,636 gives the same sequence; the c. name uses the placement nearest the transcript's 3' end. VCF-style (leftmost placement, unchanged base first): chr11-1460629-C-CCGCTGG. GRCh37 (hg19) VCF-style: chr11-1481859-C-CCGCTGG.
Other names: c.2209_2214dup, p.Gly738_Pro739insAlaGly (NM_001256630.1); c.*10-339_*10-334dup (NM_001256629.2, NM_001282218.2); c.1988-339_1988-334dup (NM_003957.4); c.2119_2124dup6 (NM_001256627.1).
Identifiers: ClinVar variation 1985633 (VCV001985633.6), dbSNP rs1249161609, ClinGen allele CA597429700.
Genomic context (GRCh38, chr11:1,460,629, plus strand): 5'-CCCAGGCCCCCAGCACGCCCGCCAAGCGGAGTGCCCACGGCCCACTCGGTGACTCCGCGG[C>CCGCTGG]CGCTGGCCCTGGCCCCGGAGGGGACGCCGAGTACCCAACGGGCAAGGACACGGCCAAGAT-3'

ClinVar aggregate classification (germline): Uncertain significance. Review status: criteria provided, multiple submitters, no conflicts (2 of 4 stars). 2 submissions from 2 submitters: Uncertain significance (2). Last evaluated 2025-11-04.

Conditions:
BRSK2-related disorder. Also called: BRSK2-related condition; BRSK2-Related Disorders.

Submissions (2):

PreventionGenetics, part of Exact Sciences
Classification: Uncertain significance for BRSK2-related condition. Last evaluated: 2025-11-04. Review status: criteria provided, single submitter. Criteria: ACMG Guidelines, 2015. Collection method: clinical testing. Allele origin: germline.
Comment: The BRSK2 c.2119_2124dup6 variant is predicted to result in an in-frame duplication (p.Ala707_Gly708dup). To our knowledge, this variant has not been reported in the literature. This variant is reported in 0.0041% of alleles in individuals of Latino descent in gnomAD. At this time, the clinical significance of this variant is uncertain due to the absence of conclusive functional and genetic evidence.

Labcorp Genetics (formerly Invitae), Labcorp
Classification: Uncertain significance. Last evaluated: 2022-07-26. Review status: criteria provided, single submitter. Criteria: Invitae Variant Classification Sherloc (09022015). Collection method: clinical testing. Allele origin: germline.
Comment: In summary, the available evidence is currently insufficient to determine the role of this variant in disease. Therefore, it has been classified as a Variant of Uncertain Significance. Experimental studies and prediction algorithms are not available or were not evaluated, and the functional significance of this variant is currently unknown. This variant has not been reported in the literature in individuals affected with BRSK2-related conditions. This variant is present in population databases (no rsID available, gnomAD 0.004%). This variant, c.2119_2124dup, results in the insertion of 2 amino acid(s) of the BRSK2 protein (p.Ala707_Gly708dup), but otherwise preserves the integrity of the reading frame.